The following is an entry in ClinVar:

NM_017946.4(FKBP14):c.535CAT[1] (p.His180del)

Genes: FKBP14-AS1 (FKBP14 antisense RNA 1; plus strand), FKBP14 (FKBP prolyl isomerase 14; minus strand). Cytogenetic location: 7p14.3.
Variant type: Microsatellite.
Coding change: c.535CAT[1] on transcript NM_017946.4 (MANE Select); one copy of the 3-base unit CAT starting at c.535; the reference has two copies in a row; one copy, 3 bases deleted.
Protein change: p.His180del; deletes histidine 180.
Molecular consequence: inframe deletion. On other transcripts: non-coding transcript variant (2).
Genome position (GRCh38, 1-based): chr7:30,014,831-30,014,833, ATG deleted on the plus strand (CAT on the coding strand, the reverse complement: FKBP14 is on the minus strand); deleting any 3 consecutive bases within chr7:30,014,831-30,014,837 gives the same sequence; the position shown is the placement nearest the transcript's 3' end. VCF-style (leftmost placement, unchanged base first): chr7-30014830-CATG-C. GRCh37 (hg19) VCF-style: chr7-30054446-CATG-C.
Other names: short protein forms H180del.
Identifiers: ClinVar variation 2163631 (VCV002163631.2), dbSNP rs764352789, ClinGen allele CA4203378.

ClinVar aggregate classification (germline): Uncertain significance (1 of 4 stars; one submission).

Conditions:
Ehlers-Danlos syndrome, kyphoscoliotic type, 2. Also called: FKBP14-Kyphoscoliotic Ehlers-Danlos Syndrome; Ehlers-Danlos syndrome with progressive kyphoscoliosis, myopathy, and hearing loss; Ehlers-Danlos syndrome, kyphoscoliotic and deafness type. Identifiers: Orphanet 300179, MedGen C3281160, MONDO:0013800, OMIM 614557.

Submission:

Labcorp Genetics (formerly Invitae), Labcorp
Classification: Uncertain significance for Ehlers-Danlos syndrome, kyphoscoliotic type, 2. Last evaluated: 2025-04-07. Review status: criteria provided, single submitter. Criteria: Invitae Variant Classification Sherloc (09022015). Collection method: clinical testing. Allele origin: germline.
Comment: This variant, c.538_540del, results in the deletion of 1 amino acid(s) of the FKBP14 protein (p.His180del), but otherwise preserves the integrity of the reading frame. This variant is present in population databases (rs764352789, gnomAD 0.003%). This variant has not been reported in the literature in individuals affected with FKBP14-related conditions. Experimental studies and prediction algorithms are not available or were not evaluated, and the functional significance of this variant is currently unknown. In summary, the available evidence is currently insufficient to determine the role of this variant in disease. Therefore, it has been classified as a Variant of Uncertain Significance.